The following is an entry in ClinVar:

NM_000419.5(ITGA2B):c.626C>T (p.Ala209Val)

Gene: ITGA2B (integrin subunit alpha 2b; minus strand). Cytogenetic location: 17q21.31.
Variant type: single nucleotide variant.
Coding change: c.626C>T on transcript NM_000419.5 (MANE Select); coding-DNA position 626, C replaced by T.
Protein change: p.Ala209Val; replaces alanine 209 with valine.
Molecular consequence: missense variant.
Genome position (GRCh38, 1-based): chr17:44,385,208, G>A on the plus strand (C>T on the coding strand, the complement: ITGA2B is on the minus strand). VCF-style: chr17-44385208-G-A. GRCh37 (hg19) VCF-style: chr17-42462576-G-A.
Other names: c.626C>T (LRG_479t1); short protein forms A209V.
Identifiers: ClinVar variation 323567 (VCV000323567.8), dbSNP rs143284768, ClinGen allele CA8603400.

ClinVar aggregate classification (germline): Uncertain significance. Review status: criteria provided, multiple submitters, no conflicts (2 of 4 stars). 3 submissions from 3 submitters: Uncertain significance (3). Last evaluated 2025-06-17.

Conditions:
Glanzmann thrombasthenia. Also called: PLATELET GLYCOPROTEIN IIb-IIIa DEFICIENCY; Thrombasthenia; Glanzmann's thrombasthenia; BLEEDING DISORDER, PLATELET-TYPE, 2; THROMBASTHENIA OF GLANZMANN AND NAEGELI. Identifiers: Orphanet 849, MedGen C0040015, MONDO:0100326.

Allele frequency attached by ClinVar (database versions not stated): gnomAD exomes below 0.00001 and 0.00001; ExAC 0.00001; gnomAD 0.00001; TOPMed 0.00001; ESP Exome Variant Server 0.00008.
gnomAD v4.1: 9 of 1,613,918 alleles (0.00056%); highest among the groups gnomAD compares: Middle Eastern, 0.049%; 1 homozygote.

Submissions (3):

Labcorp Genetics (formerly Invitae), Labcorp
Classification: Uncertain significance for Glanzmann thrombasthenia. Last evaluated: 2025-06-17. Review status: criteria provided, single submitter. Criteria: Invitae Variant Classification Sherloc (09022015). Collection method: clinical testing. Allele origin: germline.
Comment: This sequence change replaces alanine, which is neutral and non-polar, with valine, which is neutral and non-polar, at codon 209 of the ITGA2B protein (p.Ala209Val). This variant is present in population databases (rs143284768, gnomAD 0.0009%). This variant has not been reported in the literature in individuals affected with ITGA2B-related conditions. ClinVar contains an entry for this variant (Variation ID: 323567). Invitae Evidence Modeling of protein sequence and biophysical properties (such as structural, functional, and spatial information, amino acid conservation, physicochemical variation, residue mobility, and thermodynamic stability) has been performed for this missense variant. However, the output from this modeling did not meet the statistical confidence thresholds required to predict the impact of this variant on ITGA2B protein function. In summary, the available evidence is currently insufficient to determine the role of this variant in disease. Therefore, it has been classified as a Variant of Uncertain Significance.

Revvity Omics, Revvity
Classification: Uncertain significance. Last evaluated: 2023-08-08. Review status: criteria provided, single submitter. Criteria: ACMG Guidelines, 2015. Collection method: clinical testing. Allele origin: germline.

Illumina Laboratory Services, Illumina
Classification: Uncertain significance for Glanzmann thrombasthenia 1. Last evaluated: 2018-01-12. Review status: criteria provided, single submitter. Criteria: ICSL Variant Classification Criteria 13 December 2019. Collection method: clinical testing. Allele origin: germline.